The following is an entry in ClinVar:

ClinVar aggregate classification (germline): Uncertain significance (1 of 4 stars; one submission).

Allele frequency attached by ClinVar (database versions not stated): gnomAD 0.00001.

Submission:

Labcorp Genetics (formerly Invitae), Labcorp
Classification: Uncertain significance. Last evaluated: 2022-03-04. Review status: criteria provided, single submitter. Criteria: Invitae Variant Classification Sherloc (09022015). Collection method: clinical testing. Allele origin: germline.
Comment: In summary, the available evidence is currently insufficient to determine the role of this variant in disease. Therefore, it has been classified as a Variant of Uncertain Significance. Algorithms developed to predict the effect of missense changes on protein structure and function (SIFT, PolyPhen-2, Align-GVGD) all suggest that this variant is likely to be tolerated. This variant has not been reported in the literature in individuals affected with DHX38-related conditions. This variant is not present in population databases (gnomAD no frequency). This sequence change replaces arginine, which is basic and polar, with lysine, which is basic and polar, at codon 320 of the DHX38 protein (p.Arg320Lys).

NM_014003.4(DHX38):c.959G>A (p.Arg320Lys)

Gene: DHX38 (DEAH-box helicase 38; plus strand). Cytogenetic location: 16q22.2.
Variant type: single nucleotide variant.
Coding change: c.959G>A on transcript NM_014003.4 (MANE Select); coding-DNA position 959, G replaced by A.
Protein change: p.Arg320Lys; replaces arginine 320 with lysine.
Molecular consequence: missense variant.
Genome position (GRCh38, 1-based): chr16:72,099,279, G>A. VCF-style: chr16-72099279-G-A. GRCh37 (hg19) VCF-style: chr16-72133178-G-A.
Other names: short protein forms R320K.
Identifiers: ClinVar variation 1906971 (VCV001906971.3), dbSNP rs993744921, ClinGen allele CA283677762.